The following is an entry in ClinVar:

NM_002227.4(JAK1):c.2300C>G (p.Ser767Cys)

Gene: JAK1 (Janus kinase 1; minus strand). Cytogenetic location: 1p31.3.
Variant type: single nucleotide variant.
Coding change: c.2300C>G on transcript NM_002227.4 (MANE Select); coding-DNA position 2300, C replaced by G.
Protein change: p.Ser767Cys; replaces serine 767 with cysteine.
Molecular consequence: missense variant.
Genome position (GRCh38, 1-based): chr1:64,844,167, G>C on the plus strand (C>G on the coding strand, the complement: JAK1 is on the minus strand). VCF-style: chr1-64844167-G-C. GRCh37 (hg19) VCF-style: chr1-65309850-G-C.
Other names: c.2300C>G, p.Ser767Cys (NM_001320923.2, NM_001321852.2, NM_001321853.2 and 3 more transcripts); c.2297C>G, p.Ser766Cys (NM_001321857.2); short protein forms S766C, S767C.
Identifiers: ClinVar variation 1501453 (VCV001501453.6), dbSNP rs2100990217, ClinGen allele CA340666738.

ClinVar aggregate classification (germline): Uncertain significance (1 of 4 stars; one submission).

Submission:

Labcorp Genetics (formerly Invitae), Labcorp
Classification: Uncertain significance. Last evaluated: 2020-11-18. Review status: criteria provided, single submitter. Criteria: Invitae Variant Classification Sherloc (09022015). Collection method: clinical testing. Allele origin: germline.
Comment: In summary, the available evidence is currently insufficient to determine the role of this variant in disease. Therefore, it has been classified as a Variant of Uncertain Significance. Algorithms developed to predict the effect of missense changes on protein structure and function are either unavailable or do not agree on the potential impact of this missense change (SIFT: "Not Available"; PolyPhen-2: "Probably Damaging"; Align-GVGD: "Not Available"). This variant has not been reported in the literature in individuals with JAK1-related conditions. This variant is not present in population databases (ExAC no frequency). This sequence change replaces serine with cysteine at codon 767 of the JAK1 protein (p.Ser767Cys). The serine residue is moderately conserved and there is a moderate physicochemical difference between serine and cysteine.